The following is an entry in ClinVar:

NM_024675.4(PALB2):c.364G>A (p.Asp122Asn)

Gene: PALB2 (partner and localizer of BRCA2; minus strand). Cytogenetic location: 16p12.2.
Variant type: single nucleotide variant.
Coding change: c.364G>A on transcript NM_024675.4 (MANE Select); coding-DNA position 364, G replaced by A.
Protein change: p.Asp122Asn; replaces aspartic acid 122 with asparagine.
Molecular consequence: missense variant.
Genome position (GRCh38, 1-based): chr16:23,636,182, C>T on the plus strand (G>A on the coding strand, the complement: PALB2 is on the minus strand). VCF-style: chr16-23636182-C-T. GRCh37 (hg19) VCF-style: chr16-23647503-C-T.
Other names: short protein forms D122N.
Identifiers: ClinVar variation 480271 (VCV000480271.21), dbSNP rs730881880, ClinGen allele CA395137570.

ClinVar aggregate classification (germline): Uncertain significance. Review status: criteria provided, multiple submitters, no conflicts (2 of 4 stars). 5 submissions from 5 submitters: Uncertain significance (2). 3 of the submissions do not count toward it. Last evaluated 2024-11-20.

Conditions:
Hereditary cancer-predisposing syndrome. Also called: Hereditary neoplastic syndrome; Hereditary Cancer Syndrome; Tumor predisposition; Neoplastic Syndromes, Hereditary. Identifiers: Orphanet 140162, MedGen C0027672, MeSH D009386, MONDO:0015356.
Carcinoma of colon (CRC). Also called: Colon carcinoma; Colonic carcinoma. Identifiers: MedGen C0699790, MONDO:0002032.
Familial cancer of breast. Also called: BREAST CANCER, FAMILIAL; Hereditary breast cancer; hereditary breast carcinoma. Identifiers: Orphanet 227535, MedGen C0346153, MONDO:0016419, OMIM 114480. Disease mechanism: loss of function.

gnomAD v4.1: 10 of 1,612,938 alleles (0.00062%); highest among the groups gnomAD compares: Non-Finnish European, 0.00085%; no homozygotes.

Submissions (5):

Labcorp Genetics (formerly Invitae), Labcorp
Classification: Uncertain significance for Familial cancer of breast. Last evaluated: 2024-11-20. Review status: criteria provided, single submitter. Criteria: Invitae Variant Classification Sherloc (09022015). Collection method: clinical testing. Allele origin: germline.
Comment: This sequence change replaces aspartic acid, which is acidic and polar, with asparagine, which is neutral and polar, at codon 122 of the PALB2 protein (p.Asp122Asn). This variant is not present in population databases (gnomAD no frequency). This variant has not been reported in the literature in individuals affected with PALB2-related conditions. ClinVar contains an entry for this variant (Variation ID: 480271). An algorithm developed to predict the effect of missense changes on protein structure and function (PolyPhen-2) suggests that this variant is likely to be tolerated. In summary, the available evidence is currently insufficient to determine the role of this variant in disease. Therefore, it has been classified as a Variant of Uncertain Significance.

Ambry Genetics
Classification: Uncertain significance for Hereditary cancer-predisposing syndrome. Last evaluated: 2022-03-24. Review status: criteria provided, single submitter. Criteria: Ambry Variant Classification Scheme 2023. Collection method: clinical testing. Allele origin: germline.
Comment: The p.D122N variant (also known as c.364G>A), located in coding exon 4 of the PALB2 gene, results from a G to A substitution at nucleotide position 364. The aspartic acid at codon 122 is replaced by asparagine, an amino acid with highly similar properties. This amino acid position is not well conserved in available vertebrate species. In addition, this alteration is predicted to be tolerated by in silico analysis. Since supporting evidence is conflicting at this time, the clinical significance of this alteration remains unclear.

Leiden Open Variation Database
Classification: Uncertain significance for Colorectal cancer. Last evaluated: 2017-01-31. Review status: no assertion criteria provided. Collection method: curation. Allele origin: germline. Affected: yes. Not counted in ClinVar's aggregate classification.
Comment: Curators: Marc Tischkowitz, Arleen D. Auerbach. Submitter to LOVD: Melissa DeRycke.

Clinical Genetics Laboratory, Department of Pathology, Netherlands Cancer Institute
Classification: Likely benign. Review status: no assertion criteria provided. Collection method: clinical testing. Allele origin: germline. Affected: yes. Study: VKGL Data-share Consensus. Not counted in ClinVar's aggregate classification.

Joint Genome Diagnostic Labs from Nijmegen and Maastricht, Radboudumc and MUMC+
Classification: Likely benign. Review status: no assertion criteria provided. Collection method: clinical testing. Allele origin: germline. Affected: yes. Study: VKGL Data-share Consensus. Not counted in ClinVar's aggregate classification.